The following is an entry in ClinVar:

NM_000219.6(KCNE1):c.3G>A (p.Met1Ile)

Gene: KCNE1 (potassium voltage-gated channel subfamily E regulatory subunit 1; minus strand). Cytogenetic location: 21q22.12.
Variant type: single nucleotide variant.
Coding change: c.3G>A on transcript NM_000219.6 (MANE Select); coding-DNA position 3, G replaced by A.
Protein change: p.Met1Ile; changes the start codon (methionine 1).
Molecular consequence: missense variant, initiator codon variant.
Genome position (GRCh38, 1-based): chr21:34,449,632, C>T on the plus strand (G>A on the coding strand, the complement: KCNE1 is on the minus strand). VCF-style: chr21-34449632-C-T. GRCh37 (hg19) VCF-style: chr21-35821930-C-T.
Other names: c.3G>A, p.Met1Ile (NM_001127668.4, NM_001127669.4, NM_001127670.4 and 4 more transcripts); short protein forms M1I.
Identifiers: ClinVar variation 3374408 (VCV003374408.2).

Conditions:
Long QT syndrome 5 (LQT5). Identifiers: Orphanet 101016, Orphanet 768, MedGen C1867904, MONDO:0013372, OMIM 613695.

Submission:

Roden Lab, Vanderbilt University Medical Center
No classification provided (evidence only). Condition: Long QT syndrome 5. Review status: no classification provided. Collection method: in vitro. Allele origin: not applicable. Functional consequence: Effect on ion channel function.
ClinVar note: "not provided" was previously submitted as the classification for the variant. However, the classification appeared to be based only on an observation of functional data so it was converted to no classification on 2025-07-30.